The following is an entry in ClinVar:

NM_145068.4(TRPV3):c.1390C>T (p.Arg464Trp)

Gene: TRPV3 (transient receptor potential cation channel subfamily V member 3; minus strand). Cytogenetic location: 17p13.2.
Variant type: single nucleotide variant.
Coding change: c.1390C>T on transcript NM_145068.4 (MANE Select); coding-DNA position 1390, C replaced by T.
Protein change: p.Arg464Trp; replaces arginine 464 with tryptophan.
Molecular consequence: missense variant.
Genome position (GRCh38, 1-based): chr17:3,528,848, G>A on the plus strand (C>T on the coding strand, the complement: TRPV3 is on the minus strand). VCF-style: chr17-3528848-G-A. GRCh37 (hg19) VCF-style: chr17-3432142-G-A.
Other names: c.1390C>T, p.Arg464Trp (NM_001258205.2); short protein forms R464W.
Identifiers: ClinVar variation 4709497 (VCV004709497.1).

ClinVar aggregate classification (germline): Uncertain significance (1 of 4 stars; one submission).

gnomAD v4.1: 25 of 1,613,644 alleles (0.0015%); highest among the groups gnomAD compares: Admixed American, 0.0033%; no homozygotes.

Submission:

Labcorp Genetics (formerly Invitae), Labcorp
Classification: Uncertain significance. Last evaluated: 2026-01-04. Review status: criteria provided, single submitter. Criteria: Invitae Variant Classification Sherloc (09022015). Collection method: clinical testing. Allele origin: germline.
Comment: This sequence change replaces arginine, which is basic and polar, with tryptophan, which is neutral and slightly polar, at codon 464 of the TRPV3 protein (p.Arg464Trp). This variant is present in population databases (rs770315577, gnomAD 0.006%). This variant has not been reported in the literature in individuals affected with TRPV3-related conditions. Invitae Evidence Modeling of protein sequence and biophysical properties (such as structural, functional, and spatial information, amino acid conservation, physicochemical variation, residue mobility, and thermodynamic stability) indicates that this missense variant is not expected to disrupt TRPV3 protein function with a negative predictive value of 95%. In summary, the available evidence is currently insufficient to determine the role of this variant in disease. Therefore, it has been classified as a Variant of Uncertain Significance.